The following is an entry in ClinVar:

ClinVar aggregate classification (germline): Benign/Likely benign. Review status: criteria provided, multiple submitters, no conflicts (2 of 4 stars). 9 submissions from 5 submitters: Benign (6); Likely benign (1). 2 of the submissions do not count toward it. Last evaluated 2025-12-03.

Conditions:
Cardiovascular phenotype. Identifiers: MedGen CN230736.
Autosomal recessive limb-girdle muscular dystrophy type 2J (LGMDR10). Also called: MUSCULAR DYSTROPHY, LIMB-GIRDLE, AUTOSOMAL RECESSIVE 10; Limb-girdle muscular dystrophy, type 2J. Identifiers: Orphanet 140922, MedGen C1837342, MONDO:0012127, OMIM 608807.
Dilated cardiomyopathy 1G (CMD1G). Identifiers: Orphanet 154, MedGen C1858763, MONDO:0011400, OMIM 604145.
Early-onset myopathy with fatal cardiomyopathy (CMYO5). Also called: CONGENITAL MYOPATHY 5 WITH CARDIOMYOPATHY; Salih Myopathy. Identifiers: Orphanet 289377, MedGen C2673677, MONDO:0012714, OMIM 611705. Disease mechanism: loss of function.
Myopathy, myofibrillar, 9, with early respiratory failure (MFM9). Also called: Myopathy, distal, with early respiratory failure, autosomal dominant; EDSTROM MYOPATHY; MYOPATHY, PROXIMAL, WITH EARLY RESPIRATORY MUSCLE INVOLVEMENT; Hereditary myopathy with early respiratory failure. Identifiers: Orphanet 178464, Orphanet 34521, MedGen C1863599, MONDO:0011362, OMIM 603689.
Tibial muscular dystrophy (TMD). Also called: Tibial muscular dystrophy, tardive; Udd Distal Myopathy – Tibial Muscular Dystrophy; UDD MYOPATHY. Identifiers: Orphanet 609, MedGen C1838244, MONDO:0010870, OMIM 600334.
Primary familial hypertrophic cardiomyopathy (HCM). Identifiers: Orphanet 99739, MedGen C0949658, MeSH D024741, MONDO:0024573. Inheritance: Various modes of inheritance.
Left ventricular noncompaction cardiomyopathy. Also called: left ventricular non-compaction cardiomyopathy. Identifiers: MedGen C4021133, HP:0011664.

Allele frequency attached by ClinVar (database versions not stated): TOPMed 0.00001; 1000 Genomes Project 30x 0.00016; 1000 Genomes Project 0.00020; gnomAD exomes 0.00035 and 0.00084; ExAC 0.00060; gnomAD 0.00080 and 0.00086.
gnomAD v4.1: 627 of 1,612,600 alleles (0.039%); highest among the groups gnomAD compares: Non-Finnish European, 0.00085%; no homozygotes.

Submissions (9):

Ambry Genetics
Classification: Benign for Cardiovascular phenotype. Last evaluated: 2025-12-03. Review status: criteria provided, single submitter. Criteria: Ambry Variant Classification Scheme 2023. Collection method: clinical testing. Allele origin: germline.

Labcorp Genetics (formerly Invitae), Labcorp
Classification: Benign for Dilated cardiomyopathy 1G; Autosomal recessive limb-girdle muscular dystrophy type 2J. Last evaluated: 2025-12-03. Review status: criteria provided, single submitter. Criteria: Invitae Variant Classification Sherloc (09022015). Collection method: clinical testing. Allele origin: germline.

Genome-Nilou Lab
Classification: Benign for Autosomal recessive limb-girdle muscular dystrophy type 2J. Last evaluated: 2021-09-10. Review status: criteria provided, single submitter. Criteria: ACMG Guidelines, 2015. Collection method: clinical testing. Allele origin: germline. Affected: no.

Genome-Nilou Lab
Classification: Benign for Myopathy, myofibrillar, 9, with early respiratory failure. Last evaluated: 2021-09-10. Review status: criteria provided, single submitter. Criteria: ACMG Guidelines, 2015. Collection method: clinical testing. Allele origin: germline. Affected: no.

Genome-Nilou Lab
Classification: Benign for Early-onset myopathy with fatal cardiomyopathy. Last evaluated: 2021-09-10. Review status: criteria provided, single submitter. Criteria: ACMG Guidelines, 2015. Collection method: clinical testing. Allele origin: germline. Affected: no.

Genome-Nilou Lab
Classification: Benign for Tibial muscular dystrophy. Last evaluated: 2021-09-10. Review status: criteria provided, single submitter. Criteria: ACMG Guidelines, 2015. Collection method: clinical testing. Allele origin: germline. Affected: no.

GeneDx
Classification: Likely benign. Last evaluated: 2018-04-13. Review status: criteria provided, single submitter. Criteria: GeneDx Variant Classification (06012015). Collection method: clinical testing. Allele origin: germline. Affected: yes.
Comment: This variant is considered likely benign or benign based on one or more of the following criteria: it is a conservative change, it occurs at a poorly conserved position in the protein, it is predicted to be benign by multiple in silico algorithms, and/or has population frequency not consistent with disease.

Blueprint Genetics
Classification: Uncertain significance for Left ventricular noncompaction cardiomyopathy. Last evaluated: 2014-10-14. Review status: no assertion criteria provided. Collection method: clinical testing. Allele origin: germline. Affected: yes. Observed: 1 variant allele. Not counted in ClinVar's aggregate classification.

Blueprint Genetics
Classification: Uncertain significance for Primary familial hypertrophic cardiomyopathy. Last evaluated: 2014-10-14. Review status: no assertion criteria provided. Collection method: clinical testing. Allele origin: germline. Affected: yes. Observed: 1 variant allele. Not counted in ClinVar's aggregate classification.

NM_001267550.2(TTN):c.2775+4G>A

Gene: TTN (titin; minus strand). Cytogenetic location: 2q31.2.
Variant type: single nucleotide variant.
Coding change: c.2775+4G>A on transcript NM_001267550.2 (MANE Select); 4 bases into the intron after coding-DNA position 2775, G replaced by A.
Molecular consequence: intron variant.
Genome position (GRCh38, 1-based): chr2:178,784,066, C>T on the plus strand (G>A on the coding strand, the complement: TTN is on the minus strand). VCF-style: chr2-178784066-C-T. GRCh37 (hg19) VCF-style: chr2-179648793-C-T.
Other names: c.2775+4G>A (NM_001256850.1, NM_133378.4, NM_133379.5); c.2637+4G>A (NM_003319.4, NM_133437.4, NM_133432.3).
Identifiers: ClinVar variation 180577 (VCV000180577.15), dbSNP rs548681281, ClinGen allele CA346770.